The following is an entry in ClinVar:

ClinVar aggregate classification (germline): Uncertain significance (1 of 4 stars; one submission).

gnomAD v4.1: 9 of 1,614,084 alleles (0.00056%); highest among the groups gnomAD compares: Middle Eastern, 0.016%; no homozygotes.

Submission:

Labcorp Genetics (formerly Invitae), Labcorp
Classification: Uncertain significance. Last evaluated: 2025-01-06. Review status: criteria provided, single submitter. Criteria: Invitae Variant Classification Sherloc (09022015). Collection method: clinical testing. Allele origin: germline.
Comment: This sequence change replaces asparagine, which is neutral and polar, with serine, which is neutral and polar, at codon 1343 of the LCT protein (p.Asn1343Ser). This variant is present in population databases (rs762836902, gnomAD 0.002%). This variant has not been reported in the literature in individuals affected with LCT-related conditions. Invitae Evidence Modeling of protein sequence and biophysical properties (such as structural, functional, and spatial information, amino acid conservation, physicochemical variation, residue mobility, and thermodynamic stability) indicates that this missense variant is not expected to disrupt LCT protein function with a negative predictive value of 80%. In summary, the available evidence is currently insufficient to determine the role of this variant in disease. Therefore, it has been classified as a Variant of Uncertain Significance.

NM_002299.4(LCT):c.4028A>G (p.Asn1343Ser)

Gene: LCT (lactase; minus strand). Cytogenetic location: 2q21.3.
Variant type: single nucleotide variant.
Coding change: c.4028A>G on transcript NM_002299.4 (MANE Select); coding-DNA position 4028, A replaced by G.
Protein change: p.Asn1343Ser; replaces asparagine 1343 with serine.
Molecular consequence: missense variant.
Genome position (GRCh38, 1-based): chr2:135,807,273, T>C on the plus strand (A>G on the coding strand, the complement: LCT is on the minus strand). VCF-style: chr2-135807273-T-C. GRCh37 (hg19) VCF-style: chr2-136564843-T-C.
Other names: short protein forms N1343S.
Identifiers: ClinVar variation 3711569 (VCV003711569.2).